The following is an entry in ClinVar:

ClinVar aggregate classification (germline): Likely benign. Review status: criteria provided, single submitter (1 of 4 stars). 2 submissions from 2 submitters: Likely benign (1). 1 of the submissions does not count toward it. Last evaluated 2024-02-01.

Conditions:
EP300-related disorder. Also called: EP300-related condition; EP300-related disorders.

Allele frequency attached by ClinVar (database versions not stated): gnomAD 0.00001; TOPMed 0.00001.
gnomAD v4.1: 4 of 1,613,914 alleles (0.00025%); highest among the groups gnomAD compares: Admixed American, 0.0033%; no homozygotes.

Submissions (2):

CeGaT Center for Human Genetics Tuebingen
Classification: Likely benign. Last evaluated: 2024-02-01. Review status: criteria provided, single submitter. Criteria: CeGaT Center For Human Genetics Tuebingen Variant Classification Criteria Version 2. Collection method: clinical testing. Allele origin: germline. Affected: yes. Observed: 1 variant allele.
Comment: EP300: PP3, BS2

PreventionGenetics, part of Exact Sciences
Classification: Uncertain significance for EP300-related condition. Last evaluated: 2024-04-05. Review status: no assertion criteria provided. Collection method: clinical testing. Allele origin: germline. Not counted in ClinVar's aggregate classification.
Comment: The EP300 c.4558C>G variant is predicted to result in the amino acid substitution p.Leu1520Val. To our knowledge, this variant has not been reported in the literature. This variant is reported in 0.0029% of alleles in individuals of Latino descent in gnomAD. At this time, the clinical significance of this variant is uncertain due to the absence of conclusive functional and genetic evidence.

NM_001429.4(EP300):c.4558C>G (p.Leu1520Val)

Gene: EP300 (EP300 lysine acetyltransferase; plus strand). Cytogenetic location: 22q13.2.
Variant type: single nucleotide variant.
Coding change: c.4558C>G on transcript NM_001429.4 (MANE Select); coding-DNA position 4558, C replaced by G.
Protein change: p.Leu1520Val; replaces leucine 1520 with valine.
Molecular consequence: missense variant.
Genome position (GRCh38, 1-based): chr22:41,172,604, C>G. VCF-style: chr22-41172604-C-G. GRCh37 (hg19) VCF-style: chr22-41568608-C-G.
Other names: c.4480C>G, p.Leu1494Val (NM_001362843.2); c.4558C>G (NM_001429.3); short protein forms L1494V, L1520V.
Identifiers: ClinVar variation 3025714 (VCV003025714.22), dbSNP rs761660410, ClinGen allele CA324555358.